The following is an entry in ClinVar:

NM_007294.4(BRCA1):c.1903A>G (p.Asn635Asp)

Gene: BRCA1 (BRCA1 DNA repair associated; minus strand). Cytogenetic location: 17q21.31.
Variant type: single nucleotide variant.
Coding change: c.1903A>G on transcript NM_007294.4 (MANE Select); coding-DNA position 1903, A replaced by G.
Protein change: p.Asn635Asp; replaces asparagine 635 with aspartic acid.
Molecular consequence: missense variant. On other transcripts: intron variant (137).
Genome position (GRCh38, 1-based): chr17:43,093,628, T>C on the plus strand (A>G on the coding strand, the complement: BRCA1 is on the minus strand). VCF-style: chr17-43093628-T-C. GRCh37 (hg19) VCF-style: chr17-41245645-T-C.
Other names: c.784+1116A>G (NM_001407972.1, NM_001408399.1, NM_001407984.1 and 13 more transcripts); c.1900A>G, p.Asn634Asp (NM_001407611.1, NM_001407612.1, NM_001407614.1 and 22 more transcripts); c.664+1116A>G (NM_001408441.1, NM_001408437.1, NM_001408442.1 and 12 more transcripts); c.1903A>G, p.Asn635Asp (NM_001407617.1, NM_001407618.1, NM_001407616.1 and 30 more transcripts); c.646+1116A>G (NM_001408410.1, NM_001408456.1, NM_001408467.1 and 11 more transcripts); c.787+1116A>G (NM_001407982.1, NM_001407979.1, NM_001407977.1 and 19 more transcripts); c.709+1116A>G (NM_001408415.1, NM_001408414.1, NM_001408411.1 and 2 more transcripts); c.577+1116A>G (NM_001408483.1, NM_001408482.1, NM_001408484.1 and 9 more transcripts); and 40 more; short protein forms N635D, N588D, N523D, N547D, N567D, N608D, N339D, N467D.
Identifiers: ClinVar variation 627654 (VCV000627654.13), dbSNP rs1567797783, ClinGen allele CA10598220.

ClinVar aggregate classification (germline): Conflicting classifications of pathogenicity. Review status: criteria provided, conflicting classifications (1 of 4 stars). 5 submissions from 5 submitters: Uncertain significance (4); Likely benign (1). Last evaluated 2024-11-13.

Conditions:
Hereditary cancer-predisposing syndrome. Also called: Tumor predisposition; Hereditary Cancer Syndrome; Neoplastic Syndromes, Hereditary; Hereditary neoplastic syndrome. Identifiers: Orphanet 140162, MedGen C0027672, MeSH D009386, MONDO:0015356.
Hereditary breast ovarian cancer syndrome. Also called: BRCA1- and BRCA2-Associated Hereditary Breast and Ovarian Cancer; Hereditary breast and ovarian cancer syndrome; Hereditary breast and ovarian cancer; Hereditary breast and ovarian cancer syndrome (HBOC); Hereditary breast and/or ovarian cancer syndrome; Breast and ovarian cancer. Identifiers: Orphanet 145, MedGen C0677776, MeSH D061325, MONDO:0003582. Disease mechanism: loss of function.

Submissions (5):

Ambry Genetics
Classification: Uncertain significance for Hereditary cancer-predisposing syndrome. Last evaluated: 2024-11-13. Review status: criteria provided, single submitter. Criteria: Ambry Variant Classification Scheme 2023. Collection method: clinical testing. Allele origin: germline.
Comment: The p.N635D variant (also known as c.1903A>G), located in coding exon 9 of the BRCA1 gene, results from an A to G substitution at nucleotide position 1903. The asparagine at codon 635 is replaced by aspartic acid, an amino acid with highly similar properties. This amino acid position is not well conserved in available vertebrate species. In addition, this alteration is predicted to be tolerated by in silico analysis. Based on the available evidence, the clinical significance of this variant remains unclear.

GeneDx
Classification: Uncertain significance. Last evaluated: 2024-05-16. Review status: criteria provided, single submitter. Criteria: GeneDx Variant Classification Process June 2021. Collection method: clinical testing. Allele origin: germline. Affected: yes.
Comment: Not observed at significant frequency in large population cohorts (gnomAD); In silico analysis supports that this missense variant has a deleterious effect on protein structure/function; Also known as 2022A>G; This variant is associated with the following publications: (PMID: 31131967, 15343273, 31911673, 16267036)

Labcorp Genetics (formerly Invitae), Labcorp
Classification: Uncertain significance for Hereditary breast ovarian cancer syndrome. Last evaluated: 2023-04-12. Review status: criteria provided, single submitter. Criteria: Invitae Variant Classification Sherloc (09022015). Collection method: clinical testing. Allele origin: germline.
Comment: This variant is not present in population databases (gnomAD no frequency). This variant has not been reported in the literature in individuals affected with BRCA1-related conditions. ClinVar contains an entry for this variant (Variation ID: 627654). Advanced modeling of protein sequence and biophysical properties (such as structural, functional, and spatial information, amino acid conservation, physicochemical variation, residue mobility, and thermodynamic stability) performed at Invitae indicates that this missense variant is not expected to disrupt BRCA1 protein function. In summary, the available evidence is currently insufficient to determine the role of this variant in disease. Therefore, it has been classified as a Variant of Uncertain Significance. This sequence change replaces asparagine, which is neutral and polar, with aspartic acid, which is acidic and polar, at codon 635 of the BRCA1 protein (p.Asn635Asp).

University of Washington Department of Laboratory Medicine, University of Washington
Classification: Likely benign for Hereditary cancer-predisposing syndrome. Last evaluated: 2023-03-23. Review status: criteria provided, single submitter. Criteria: Dines et al. (Genet Med. 2020). Collection method: curation. Allele origin: germline.
Comment: Missense variant in a coldspot region where missense variants are very unlikely to be pathogenic (PMID:31911673).

BRCA1 coldspot (exon 11 using historical exon numbering). Reclassification based on statistical prior probability

Color Diagnostics, LLC DBA Color Health
Classification: Uncertain significance for Hereditary cancer-predisposing syndrome. Last evaluated: 2019-04-10. Review status: criteria provided, single submitter. Criteria: ACMG Guidelines, 2015. Collection method: clinical testing. Allele origin: germline.